The following is an entry in ClinVar:

NM_001166108.2(PALLD):c.2773T>A (p.Phe925Ile)

Genes: CBR4 (carbonyl reductase 4; minus strand), PALLD (palladin, cytoskeletal associated protein; plus strand). Cytogenetic location: 4q32.3.
Variant type: single nucleotide variant.
Coding change: c.2773T>A on transcript NM_001166108.2 (MANE Select); coding-DNA position 2773, T replaced by A.
Protein change: p.Phe925Ile; replaces phenylalanine 925 with isoleucine.
Molecular consequence: missense variant.
Genome position (GRCh38, 1-based): chr4:168,915,950, T>A. VCF-style: chr4-168915950-T-A. GRCh37 (hg19) VCF-style: chr4-169837101-T-A.
Other names: c.1576T>A, p.Phe526Ile (NM_001166109.2); c.1261T>A, p.Phe421Ile (NM_001166110.2); c.601T>A, p.Phe201Ile (NM_001367567.1, NM_001367569.1); c.652T>A, p.Phe218Ile (NM_001367568.1, NM_001367570.1); c.2722T>A, p.Phe908Ile (NM_016081.4); short protein forms F925I, F201I, F526I, F908I, F218I, F421I.
Identifiers: ClinVar variation 3413695 (VCV003413695.1).

ClinVar aggregate classification (germline): Uncertain significance (1 of 4 stars; one submission).

Submission:

Ambry Genetics
Classification: Uncertain significance. Last evaluated: 2024-11-20. Review status: criteria provided, single submitter. Criteria: Ambry Variant Classification Scheme 2023. Collection method: clinical testing. Allele origin: germline.
Comment: The p.F421I variant (also known as c.1261T>A), located in coding exon 7 of the PALLD gene, results from a T to A substitution at nucleotide position 1261. The phenylalanine at codon 421 is replaced by isoleucine, an amino acid with highly similar properties. This amino acid position is conserved. In addition, this alteration is predicted to be tolerated by in silico analysis. Based on the available evidence, the clinical significance of this variant remains unclear.